The following is an entry in ClinVar:

NM_002067.5(GNA11):c.824A>G (p.Lys275Arg)

Gene: GNA11 (G protein subunit alpha 11; plus strand). Cytogenetic location: 19p13.3.
Variant type: single nucleotide variant.
Coding change: c.824A>G on transcript NM_002067.5 (MANE Select); coding-DNA position 824, A replaced by G.
Protein change: p.Lys275Arg; replaces lysine 275 with arginine.
Molecular consequence: missense variant.
Genome position (GRCh38, 1-based): chr19:3,119,294, A>G. VCF-style: chr19-3119294-A-G. GRCh37 (hg19) VCF-style: chr19-3119292-A-G.
Other names: short protein forms K275R.
Identifiers: ClinVar variation 3714094 (VCV003714094.2).
Genomic context (GRCh38, chr19:3,119,294, plus strand): 5'-TCCGGACCATCATCACCTACCCCTGGTTCCAGAACTCCTCCGTCATCCTCTTCCTCAACA[A>G]GAAGGACCTGCTGGAGGACAAGATCCTGTACTCGCACCTGGTGGACTACTTCCCCGAGTT-3'
Protein context (NP_002058.2, residues 265-285): QNSSVILFLN[Lys275Arg]KDLLEDKILY

ClinVar aggregate classification (germline): Uncertain significance (1 of 4 stars; one submission).

Submission:

Labcorp Genetics (formerly Invitae), Labcorp
Classification: Uncertain significance. Last evaluated: 2025-01-08. Review status: criteria provided, single submitter. Criteria: Invitae Variant Classification Sherloc (09022015). Collection method: clinical testing. Allele origin: germline.
Comment: This sequence change replaces lysine, which is basic and polar, with arginine, which is basic and polar, at codon 275 of the GNA11 protein (p.Lys275Arg). This variant is not present in population databases (gnomAD no frequency). This variant has not been reported in the literature in individuals affected with GNA11-related conditions. Invitae Evidence Modeling of protein sequence and biophysical properties (such as structural, functional, and spatial information, amino acid conservation, physicochemical variation, residue mobility, and thermodynamic stability) indicates that this missense variant is expected to disrupt GNA11 protein function with a positive predictive value of 80%. In summary, the available evidence is currently insufficient to determine the role of this variant in disease. Therefore, it has been classified as a Variant of Uncertain Significance.